The following is an entry in ClinVar:

NM_022124.6(CDH23):c.1081G>T (p.Ala361Ser)

Gene: CDH23 (cadherin related 23; plus strand). Cytogenetic location: 10q22.1.
Variant type: single nucleotide variant.
Coding change: c.1081G>T on transcript NM_022124.6 (MANE Select); coding-DNA position 1081, G replaced by T.
Protein change: p.Ala361Ser; replaces alanine 361 with serine.
Molecular consequence: missense variant.
Genome position (GRCh38, 1-based): chr10:71,617,340, G>T. VCF-style: chr10-71617340-G-T. GRCh37 (hg19) VCF-style: chr10-73377097-G-T.
Other names: c.1081G>T, p.Ala361Ser (NM_001171930.2, NM_001171931.2, NM_001171932.2 and 1 more transcripts); short protein forms A361S.
Identifiers: ClinVar variation 1687329 (VCV001687329.1), dbSNP rs774524441, ClinGen allele CA377122526.
Genomic context (GRCh38, chr10:71,617,340, plus strand): 5'-ATCAATGACAATGCCCCGGAGTTCAACAGCTCCGAGTACAGCGTGGCCATCACTGAGCTG[G>T]CACAGGTCGGCTTTGCCCTTCCACTCTTCATCCAGGTGGTGGACAAGGATGAGGTGAGTC-3'
Protein context (NP_071407.4, residues 351-371): SEYSVAITEL[Ala361Ser]QVGFALPLFI

ClinVar aggregate classification (germline): Uncertain significance (1 of 4 stars; one submission).

Conditions:
Autosomal recessive nonsyndromic hearing loss 12. Also called: DEAFNESS, AUTOSOMAL RECESSIVE 12. Identifiers: Orphanet 90636, MedGen C1832394, MONDO:0011067, OMIM 601386.

gnomAD v4.1: 2 of 1,613,946 alleles (0.00012%); highest among the groups gnomAD compares: East Asian, 0.0045%; no homozygotes.

Submission:

3billion
Classification: Uncertain significance for Autosomal recessive nonsyndromic hearing loss 12. Last evaluated: 2022-05-22. Review status: criteria provided, single submitter. Criteria: ACMG Guidelines, 2015. Collection method: clinical testing. Allele origin: germline. Affected: yes. Observed: 1 heterozygote.
Comment: The variant is not observed in the gnomAD v2.1.1 dataset. In silico tool predictions suggest no damaging effect of the variant on gene or gene product (REVEL: 0.19; 3Cnet: 0.10). Therefore, this variant is classified as uncertain significanceaccording to the recommendation of ACMG/AMP guideline.